The following is an entry in ClinVar:

ClinVar aggregate classification (germline): Benign. Review status: criteria provided, multiple submitters, no conflicts (2 of 4 stars). 3 submissions from 3 submitters: Benign (3). Last evaluated 2024-07-15.

Allele frequency attached by ClinVar (database versions not stated): 1000 Genomes Project 30x 0.17489; 1000 Genomes Project 0.17732; TOPMed 0.20655; gnomAD 0.22025 and 0.22361; gnomAD exomes 0.25158.

Submissions (3):

Unidad de Genómica Garrahan, Hospital de Pediatría Garrahan
Classification: Benign. Last evaluated: 2024-07-15. Review status: criteria provided, single submitter. Criteria: ACMG Guidelines, 2015. Collection method: clinical testing. Allele origin: germline. Affected: no. Observed: 30 variant alleles.
Comment: This variant is classified as Benign based on local population frequency. This variant was detected in 32% of patients studied in a panel designed for Epileptic and Developmental Encephalopathy and Progressive Myoclonus Epilepsy. Number of patients: 30. Only high quality variants are reported.

GeneDx
Classification: Benign. Last evaluated: 2020-11-20. Review status: criteria provided, single submitter. Criteria: GeneDx Variant Classification Process June 2021. Collection method: clinical testing. Allele origin: germline. Affected: yes.

Breakthrough Genomics
Classification: Benign. Review status: criteria provided, single submitter. Criteria: ACMG Guidelines, 2015. Collection method: not provided. Allele origin: germline. Inheritance: Autosomal recessive inheritance. Affected: yes.

NM_015192.4(PLCB1):c.518+96G>A

Gene: PLCB1 (phospholipase C beta 1; plus strand). Cytogenetic location: 20p12.3.
Variant type: single nucleotide variant.
Coding change: c.518+96G>A on transcript NM_015192.4 (MANE Select); 96 bases into the intron after coding-DNA position 518, G replaced by A.
Molecular consequence: intron variant.
Genome position (GRCh38, 1-based): chr20:8,648,049, G>A. VCF-style: chr20-8648049-G-A. GRCh37 (hg19) VCF-style: chr20-8628696-G-A.
Other names: c.518+96G>A (NM_182734.3).
Identifiers: ClinVar variation 1237447 (VCV001237447.6), dbSNP rs2235947, ClinGen allele CA14794214.